The following is an entry in ClinVar:

NM_000264.5(PTCH1):c.1196G>T (p.Trp399Leu)

Gene: PTCH1 (patched 1; minus strand). Cytogenetic location: 9q22.32.
Variant type: single nucleotide variant.
Coding change: c.1196G>T on transcript NM_000264.5 (MANE Select); coding-DNA position 1196, G replaced by T.
Protein change: p.Trp399Leu; replaces tryptophan 399 with leucine.
Molecular consequence: missense variant. On other transcripts: non-coding transcript variant (1).
Genome position (GRCh38, 1-based): chr9:95,479,019, C>A on the plus strand (G>T on the coding strand, the complement: PTCH1 is on the minus strand). VCF-style: chr9-95479019-C-A. GRCh37 (hg19) VCF-style: chr9-98241301-C-A.
Other names: c.998G>T, p.Trp333Leu (NM_001083602.3); c.1193G>T, p.Trp398Leu (NM_001083603.3); c.743G>T, p.Trp248Leu (NM_001083604.3, NM_001083605.3, NM_001083606.3 and 1 more transcripts); c.1196G>T, p.Trp399Leu (NM_001354918.2); short protein forms W248L, W333L, W398L, W399L.
Identifiers: ClinVar variation 4862692 (VCV004862692.1).

ClinVar aggregate classification (germline): Uncertain significance (1 of 4 stars; one submission).

Conditions:
Hereditary cancer-predisposing syndrome. Also called: Neoplastic Syndromes, Hereditary; Tumor predisposition; Hereditary Cancer Syndrome; Hereditary neoplastic syndrome. Identifiers: Orphanet 140162, MedGen C0027672, MeSH D009386, MONDO:0015356.

Submission:

Ambry Genetics
Classification: Uncertain significance for Hereditary cancer-predisposing syndrome. Last evaluated: 2026-05-14. Review status: criteria provided, single submitter. Criteria: Ambry Variant Classification Scheme 2023. Collection method: clinical testing. Allele origin: germline.
Comment: The p.W399L variant (also known as c.1196G>T), located in coding exon 8 of the PTCH1 gene, results from a G to T substitution at nucleotide position 1196. The tryptophan at codon 399 is replaced by leucine, an amino acid with similar properties. This amino acid position is conserved. In addition, this alteration is predicted to be deleterious by in silico analysis. Based on the available evidence, the clinical significance of this variant remains unclear.